The following is an entry in ClinVar:

ClinVar aggregate classification (germline): Uncertain significance. Review status: criteria provided, multiple submitters, no conflicts (2 of 4 stars). 3 submissions from 3 submitters: Uncertain significance (3). Last evaluated 2025-12-09.

Conditions:
Vitamin B2 deficiency. Identifiers: MedGen C0035528.
Ariboflavinosis. Identifiers: MedGen C5779638, MONDO:0004573, OMIM 615026.

Allele frequency attached by ClinVar (database versions not stated): ExAC 0.00001; gnomAD exomes 0.00001; gnomAD 0.00006 and 0.00007; TOPMed 0.00014.
gnomAD v4.1: 24 of 1,613,918 alleles (0.0015%); highest among the groups gnomAD compares: Admixed American, 0.023%; no homozygotes.

Submissions (3):

Labcorp Genetics (formerly Invitae), Labcorp
Classification: Uncertain significance for Vitamin B2 deficiency. Last evaluated: 2025-12-09. Review status: criteria provided, single submitter. Criteria: Invitae Variant Classification Sherloc (09022015). Collection method: clinical testing. Allele origin: germline.
Comment: This sequence change replaces valine, which is neutral and non-polar, with methionine, which is neutral and non-polar, at codon 167 of the SLC52A1 protein (p.Val167Met). This variant is present in population databases (rs748747430, gnomAD 0.006%). This variant has not been reported in the literature in individuals affected with SLC52A1-related conditions. ClinVar contains an entry for this variant (Variation ID: 1026324). Invitae Evidence Modeling of protein sequence and biophysical properties (such as structural, functional, and spatial information, amino acid conservation, physicochemical variation, residue mobility, and thermodynamic stability) indicates that this missense variant is expected to disrupt SLC52A1 protein function with a positive predictive value of 80%. In summary, the available evidence is currently insufficient to determine the role of this variant in disease. Therefore, it has been classified as a Variant of Uncertain Significance.

Breakthrough Genomics
Classification: Uncertain significance. Review status: criteria provided, single submitter. Criteria: ACMG Guidelines, 2015. Collection method: not provided. Allele origin: germline. Inheritance: Autosomal dominant inheritance. Affected: yes.

Neuberg Centre For Genomic Medicine, NCGM
Classification: Uncertain significance for Ariboflavinosis. Review status: criteria provided, single submitter. Criteria: ACMG Guidelines, 2015. Collection method: clinical testing. Allele origin: germline. Inheritance: Autosomal dominant inheritance. Affected: yes.
Comment: The missense variant p.V167M in SLC52A1 (NM_017986.4) has not been reported previously as a pathogenic variant nor as a benign variant, to our knowledge. The p.Val167Met variant is novel (not in any individuals) in 1000 Genomes. There is a small physicochemical difference between valine and methionine, which is not likely to impact secondary protein structure as these residues share similar properties. The variant is predicted to be damaging by both SIFT and PolyPhen2. The residue is conserved across species. The amino acid change p.Val167Met in SLC52A1 is predicted as conserved by GERP++ and PhyloP across 100 vertebrates. For these reasons, this variant has been classified as Uncertain Significance.

NM_017986.4(SLC52A1):c.499G>A (p.Val167Met)

Gene: SLC52A1 (solute carrier family 52 member 1; minus strand). Cytogenetic location: 17p13.2.
Variant type: single nucleotide variant.
Coding change: c.499G>A on transcript NM_017986.4 (MANE Select); coding-DNA position 499, G replaced by A.
Protein change: p.Val167Met; replaces valine 167 with methionine.
Molecular consequence: missense variant.
Genome position (GRCh38, 1-based): chr17:5,033,990, C>T on the plus strand (G>A on the coding strand, the complement: SLC52A1 is on the minus strand). VCF-style: chr17-5033990-C-T. GRCh37 (hg19) VCF-style: chr17-4937285-C-T.
Other names: c.499G>A, p.Val167Met (NM_001104577.2); c.499G>A (NM_001104577.1); short protein forms V167M.
Identifiers: ClinVar variation 1026324 (VCV001026324.11), dbSNP rs748747430, ClinGen allele CA8319778.